The following is an entry in ClinVar:

NM_020686.6(ABAT):c.689C>G (p.Ser230Cys)

Gene: ABAT (4-aminobutyrate aminotransferase; plus strand). Cytogenetic location: 16p13.2.
Variant type: single nucleotide variant.
Coding change: c.689C>G on transcript NM_020686.6 (MANE Select); coding-DNA position 689, C replaced by G.
Protein change: p.Ser230Cys; replaces serine 230 with cysteine.
Molecular consequence: missense variant.
Genome position (GRCh38, 1-based): chr16:8,768,846, C>G. VCF-style: chr16-8768846-C-G. GRCh37 (hg19) VCF-style: chr16-8862703-C-G.
Other names: c.689C>G, p.Ser230Cys (NM_000663.5, NM_001127448.2, NM_001386600.1 and 7 more transcripts); c.626C>G, p.Ser209Cys (NM_001386606.1, NM_001386607.1); c.596C>G, p.Ser199Cys (NM_001386608.1); c.554C>G, p.Ser185Cys (NM_001386610.1, NM_001386611.1); c.491C>G, p.Ser164Cys (NM_001386612.1, NM_001386613.1); c.443C>G, p.Ser148Cys (NM_001386614.1); c.785C>G, p.Ser262Cys (NM_001386615.1); short protein forms S199C, S230C, S148C, S164C, S185C, S262C, S209C.
Identifiers: ClinVar variation 2044585 (VCV002044585.2), dbSNP rs1281839939, ClinGen allele CA394688902.
Genomic context (GRCh38, chr16:8,768,846, plus strand): 5'-CCAAGCCAAGCGTCTGCTTTTCTGTTTTGCTGAACTCAGGTTGCTTAGCGACCACGCACT[C>G]TAAAGCCATTCACAAGATCGACATCCCTTCCTTTGACTGGCCCATCGCACCGTTCCCACG-3'
Protein context (NP_065737.2, residues 220-240): RTMGCLATTH[Ser230Cys]KAIHKIDIPS

ClinVar aggregate classification (germline): Uncertain significance. Review status: criteria provided, multiple submitters, no conflicts (2 of 4 stars). 2 submissions from 2 submitters: Uncertain significance (2). Last evaluated 2025-04-01.

Conditions:
Gamma-aminobutyric acid transaminase deficiency (GABATD). Also called: GABA transaminase deficiency; Gamma aminobutyrate transaminase deficiency; 4 alpha aminobutyrate transaminase deficiency; GABA aminotransaminase deficiency. Identifiers: Orphanet 2066, MedGen C0342708, MONDO:0013166, OMIM 613163.

Allele frequency attached by ClinVar (database versions not stated): gnomAD exomes below 0.00001; TOPMed below 0.00001.
gnomAD v4.1: 7 of 1,614,202 alleles (0.00043%); highest among the groups gnomAD compares: Admixed American, 0.005%; no homozygotes.

Submissions (2):

ARUP Laboratories, Molecular Genetics and Genomics, ARUP Laboratories
Classification: Uncertain significance for Gamma-aminobutyric acid transaminase deficiency. Last evaluated: 2025-04-01. Review status: criteria provided, single submitter. Criteria: ARUP Molecular Germline Variant Investigation Process 2024. Collection method: clinical testing. Allele origin: germline.

Labcorp Genetics (formerly Invitae), Labcorp
Classification: Uncertain significance for Gamma-aminobutyric acid transaminase deficiency. Last evaluated: 2022-08-05. Review status: criteria provided, single submitter. Criteria: Invitae Variant Classification Sherloc (09022015). Collection method: clinical testing. Allele origin: germline.
Comment: This sequence change replaces serine, which is neutral and polar, with cysteine, which is neutral and slightly polar, at codon 230 of the ABAT protein (p.Ser230Cys). This variant is present in population databases (no rsID available, gnomAD 0.003%). This variant has not been reported in the literature in individuals affected with ABAT-related conditions. Algorithms developed to predict the effect of missense changes on protein structure and function (SIFT, PolyPhen-2, Align-GVGD) all suggest that this variant is likely to be disruptive. In summary, the available evidence is currently insufficient to determine the role of this variant in disease. Therefore, it has been classified as a Variant of Uncertain Significance.